The following is an entry in ClinVar:

ClinVar aggregate classification (germline): Pathogenic (1 of 4 stars; one submission).

Submission:

Labcorp Genetics (formerly Invitae), Labcorp
Classification: Pathogenic. Last evaluated: 2021-06-15. Review status: criteria provided, single submitter. Criteria: Invitae Variant Classification Sherloc (09022015). Collection method: clinical testing. Allele origin: germline.
Comment: For these reasons, this variant has been classified as Pathogenic. This frameshift has been observed in individuals affected with primary hyperoxaluria (PMID: 15327387) This variant is not present in population databases (ExAC no frequency). This sequence change creates a premature translational stop signal (p.Lys12Glnfs*156) in the AGXT gene. It is expected to result in an absent or disrupted protein product. Loss-of-function variants in AGXT are known to be pathogenic (PMID: 19479957).

Literature cited by the submitters: PubMed 15327387; PubMed 19479957.

NM_000030.3(AGXT):c.26_27insA (p.Lys12fs)

Gene: AGXT (alanine--glyoxylate aminotransferase; plus strand). Cytogenetic location: 2q37.3.
Variant type: Insertion.
Coding change: c.26_27insA on transcript NM_000030.3 (MANE Select); coding-DNA positions 26 to 27, A inserted.
Protein change: p.Lys12fs; shifts the reading frame from lysine 12.
Molecular consequence: frameshift variant.
Genome position: GRCh38 VCF-style: chr2-240868891-C-CA. GRCh37 (hg19) VCF-style: chr2-241808308-C-CA.
Other names: short protein forms K12fs.
Identifiers: ClinVar variation 1359036 (VCV001359036.8), dbSNP rs2106427278, ClinGen allele CA2573135689.